The following is an entry in ClinVar:

NM_198129.4(LAMA3):c.4500C>T (p.Asn1500=)

Gene: LAMA3 (laminin subunit alpha 3; plus strand). Cytogenetic location: 18q11.2.
Variant type: single nucleotide variant.
Coding change: c.4500C>T on transcript NM_198129.4 (MANE Select); coding-DNA position 4500, C replaced by T.
Protein change: p.Asn1500=; no amino-acid change (asparagine 1500 retained).
Molecular consequence: synonymous variant.
Genome position (GRCh38, 1-based): chr18:23,861,723, C>T. VCF-style: chr18-23861723-C-T. GRCh37 (hg19) VCF-style: chr18-21441687-C-T.
Other names: c.4500C>T, p.Asn1500= (NM_001127717.4).
Identifiers: ClinVar variation 765164 (VCV000765164.12), dbSNP rs12607747, ClinGen allele CA8915625.

ClinVar aggregate classification (germline): Benign/Likely benign. Review status: criteria provided, multiple submitters, no conflicts (2 of 4 stars). 3 submissions from 3 submitters: Benign (1); Likely benign (1). 1 of the submissions does not count toward it. Last evaluated 2023-09-18.

Conditions:
LAMA3-related disorder. Also called: LAMA3-related disorders; LAMA3-related condition.

Allele frequency attached by ClinVar (database versions not stated): gnomAD 0.00023 and 0.00017; gnomAD exomes 0.00009 and 0.00049; TOPMed 0.00019; 1000 Genomes Project 0.00140; ExAC 0.00052; 1000 Genomes Project 30x 0.00156.
gnomAD v4.1: 174 of 1,614,150 alleles (0.011%); highest among the groups gnomAD compares: East Asian, 0.36%; no homozygotes.

Submissions (3):

Blueprint Genetics
Classification: Likely benign. Last evaluated: 2023-09-18. Review status: criteria provided, single submitter. Criteria: ACMG Guidelines, 2015. Collection method: clinical testing. Allele origin: germline.

Labcorp Genetics (formerly Invitae), Labcorp
Classification: Benign. Last evaluated: 2021-02-24. Review status: criteria provided, single submitter. Criteria: Invitae Variant Classification Sherloc (09022015). Collection method: clinical testing. Allele origin: germline.

PreventionGenetics, part of Exact Sciences
Classification: Likely benign for LAMA3-related condition. Last evaluated: 2019-03-08. Review status: no assertion criteria provided. Collection method: clinical testing. Allele origin: germline. Not counted in ClinVar's aggregate classification.
Comment: This variant is classified as likely benign based on ACMG/AMP sequence variant interpretation guidelines (Richards et al. 2015 PMID: 25741868, with internal and published modifications).